The following is an entry in ClinVar:

ClinVar aggregate classification (germline): Uncertain significance (1 of 4 stars; one submission).

Submission:

Ambry Genetics
Classification: Uncertain significance. Last evaluated: 2021-10-30. Review status: criteria provided, single submitter. Criteria: Ambry Variant Classification Scheme 2023. Collection method: clinical testing. Allele origin: germline.
Comment: The p.K203N variant (also known as c.609A>C), located in coding exon 7 of the BUB1 gene, results from an A to C substitution at nucleotide position 609. The lysine at codon 203 is replaced by asparagine, an amino acid with similar properties. This amino acid position is conserved. In addition, this alteration is predicted to be tolerated by in silico analysis. Since supporting evidence is limited at this time, the clinical significance of this alteration remains unclear.

NM_004336.5(BUB1):c.609A>C (p.Lys203Asn)

Gene: BUB1 (BUB1 mitotic checkpoint serine/threonine kinase; minus strand). Cytogenetic location: 2q13.
Variant type: single nucleotide variant.
Coding change: c.609A>C on transcript NM_004336.5 (MANE Select); coding-DNA position 609, A replaced by C.
Protein change: p.Lys203Asn; replaces lysine 203 with asparagine.
Molecular consequence: missense variant.
Genome position (GRCh38, 1-based): chr2:110,667,808, T>G on the plus strand (A>C on the coding strand, the complement: BUB1 is on the minus strand). VCF-style: chr2-110667808-T-G. GRCh37 (hg19) VCF-style: chr2-111425385-T-G.
Other names: c.549A>C, p.Lys183Asn (NM_001278616.2); c.609A>C, p.Lys203Asn (NM_001278617.2); short protein forms K203N, K183N.
Identifiers: ClinVar variation 1751547 (VCV001751547.2), dbSNP rs1690302388, ClinGen allele CA348218184.